The following is an entry in ClinVar:

NM_015450.3(POT1):c.820G>C (p.Gly274Arg)

Gene: POT1 (protection of telomeres 1; minus strand). Cytogenetic location: 7q31.33.
Variant type: single nucleotide variant.
Coding change: c.820G>C on transcript NM_015450.3 (MANE Select); coding-DNA position 820, G replaced by C.
Protein change: p.Gly274Arg; replaces glycine 274 with arginine.
Molecular consequence: missense variant. On other transcripts: non-coding transcript variant (3).
Genome position (GRCh38, 1-based): chr7:124,853,021, C>G on the plus strand (G>C on the coding strand, the complement: POT1 is on the minus strand). VCF-style: chr7-124853021-C-G. GRCh37 (hg19) VCF-style: chr7-124493075-C-G.
Other names: c.427G>C, p.Gly143Arg (NM_001042594.2); short protein forms G143R, G274R.
Identifiers: ClinVar variation 4716827 (VCV004716827.1).

ClinVar aggregate classification (germline): Uncertain significance (1 of 4 stars; one submission).

Conditions:
Tumor predisposition syndrome 3 (TPDS3). Also called: Melanoma, cutaneous malignant, susceptibility to, 10; Glioma susceptibility 9; LONG TELOMERE SYNDROME, POT1-RELATED; POT1 Tumor Predisposition. Identifiers: Orphanet 618, MedGen C4014476, MONDO:0014368, OMIM 615848.

Submission:

Labcorp Genetics (formerly Invitae), Labcorp
Classification: Uncertain significance for Tumor predisposition syndrome 3. Last evaluated: 2025-10-28. Review status: criteria provided, single submitter. Criteria: Invitae Variant Classification Sherloc (09022015). Collection method: clinical testing. Allele origin: germline.
Comment: This sequence change replaces glycine, which is neutral and non-polar, with arginine, which is basic and polar, at codon 274 of the POT1 protein (p.Gly274Arg). This variant is not present in population databases (gnomAD no frequency). This variant has not been reported in the literature in individuals affected with POT1-related conditions. Invitae Evidence Modeling of protein sequence and biophysical properties (such as structural, functional, and spatial information, amino acid conservation, physicochemical variation, residue mobility, and thermodynamic stability) indicates that this missense variant is not expected to disrupt POT1 protein function with a negative predictive value of 80%. In summary, the available evidence is currently insufficient to determine the role of this variant in disease. Therefore, it has been classified as a Variant of Uncertain Significance.